The following is an entry in ClinVar:

NM_130837.3(OPA1):c.2393C>T (p.Ala798Val)

Gene: OPA1 (OPA1 mitochondrial dynamin like GTPase; plus strand). Cytogenetic location: 3q29.
Variant type: single nucleotide variant.
Coding change: c.2393C>T on transcript NM_130837.3 (MANE Select); coding-DNA position 2393, C replaced by T.
Protein change: p.Ala798Val; replaces alanine 798 with valine.
Molecular consequence: missense variant.
Genome position (GRCh38, 1-based): chr3:193,658,948, C>T. VCF-style: chr3-193658948-C-T. GRCh37 (hg19) VCF-style: chr3-193376737-C-T.
Other names: c.1856C>T, p.Ala619Val (NM_001354664.2); c.2228C>T, p.Ala743Val (NM_015560.3); c.2120C>T, p.Ala707Val (NM_130831.3); c.2174C>T, p.Ala725Val (NM_130832.3); c.2231C>T, p.Ala744Val (NM_130833.3); c.2282C>T, p.Ala761Val (NM_130834.3); c.2285C>T, p.Ala762Val (NM_130835.3); c.2339C>T, p.Ala780Val (NM_130836.3); and 1 more; short protein forms A761V, A762V, A798V, A619V, A620V, A780V, A725V, A743V.
Identifiers: ClinVar variation 2775580 (VCV002775580.3), dbSNP rs2475078788, ClinGen allele CA355791892.

ClinVar aggregate classification (germline): Uncertain significance (1 of 4 stars; one submission).

Allele frequency attached by ClinVar (database versions not stated): gnomAD exomes below 0.00001.
gnomAD v4.1: 1 of 1,613,796 alleles (0.000062%); highest among the groups gnomAD compares: Non-Finnish European, 0.000085%; no homozygotes.

Submission:

Labcorp Genetics (formerly Invitae), Labcorp
Classification: Uncertain significance. Last evaluated: 2023-07-29. Review status: criteria provided, single submitter. Criteria: Invitae Variant Classification Sherloc (09022015). Collection method: clinical testing. Allele origin: germline.
Comment: Advanced modeling of protein sequence and biophysical properties (such as structural, functional, and spatial information, amino acid conservation, physicochemical variation, residue mobility, and thermodynamic stability) performed at Invitae indicates that this missense variant is not expected to disrupt OPA1 protein function. In summary, the available evidence is currently insufficient to determine the role of this variant in disease. Therefore, it has been classified as a Variant of Uncertain Significance. This variant has not been reported in the literature in individuals affected with OPA1-related conditions. This variant is not present in population databases (gnomAD no frequency). This sequence change replaces alanine, which is neutral and non-polar, with valine, which is neutral and non-polar, at codon 743 of the OPA1 protein (p.Ala743Val).